The following is an entry in ClinVar:

NM_005534.4(IFNGR2):c.347G>A (p.Arg116Gln)

Gene: IFNGR2 (interferon gamma receptor 2; plus strand). Cytogenetic location: 21q22.11.
Variant type: single nucleotide variant.
Coding change: c.347G>A on transcript NM_005534.4 (MANE Select); coding-DNA position 347, G replaced by A.
Protein change: p.Arg116Gln; replaces arginine 116 with glutamine.
Molecular consequence: missense variant.
Genome position (GRCh38, 1-based): chr21:33,421,620, G>A. VCF-style: chr21-33421620-G-A. GRCh37 (hg19) VCF-style: chr21-34793927-G-A.
Other names: c.347G>A (NM_005534.3); c.404G>A, p.Arg135Gln (NM_001329128.2); short protein forms R116Q, R135Q.
Identifiers: ClinVar variation 1481513 (VCV001481513.6), dbSNP rs760780330, ClinGen allele CA10006917.

ClinVar aggregate classification (germline): Uncertain significance. Review status: criteria provided, multiple submitters, no conflicts (2 of 4 stars). 2 submissions from 2 submitters: Uncertain significance (2). Last evaluated 2023-10-31.

Conditions:
Inborn genetic diseases. Identifiers: MedGen C0950123, MeSH D030342.
Immunodeficiency 28 (IMD28). Also called: IFNGR2 DEFICIENCY. Identifiers: Orphanet 319547, Orphanet 319574, MedGen C4013947, MONDO:0013953, OMIM 614889.

Allele frequency attached by ClinVar (database versions not stated): gnomAD exomes 0.00003 and 0.00004; ExAC 0.00006; gnomAD 0.00010; TOPMed 0.00011.
gnomAD v4.1: 61 of 1,613,984 alleles (0.0038%); highest among the groups gnomAD compares: Admixed American, 0.02%; no homozygotes.

Submissions (2):

Ambry Genetics
Classification: Uncertain significance for Inborn genetic diseases. Last evaluated: 2023-10-31. Review status: criteria provided, single submitter. Criteria: Ambry Variant Classification Scheme 2023. Collection method: clinical testing. Allele origin: germline.

Labcorp Genetics (formerly Invitae), Labcorp
Classification: Uncertain significance for Immunodeficiency 28. Last evaluated: 2022-12-06. Review status: criteria provided, single submitter. Criteria: Invitae Variant Classification Sherloc (09022015). Collection method: clinical testing. Allele origin: germline.
Comment: In summary, the available evidence is currently insufficient to determine the role of this variant in disease. Therefore, it has been classified as a Variant of Uncertain Significance. Advanced modeling of protein sequence and biophysical properties (such as structural, functional, and spatial information, amino acid conservation, physicochemical variation, residue mobility, and thermodynamic stability) performed at Invitae indicates that this missense variant is not expected to disrupt IFNGR2 protein function. ClinVar contains an entry for this variant (Variation ID: 1481513). This variant has not been reported in the literature in individuals affected with IFNGR2-related conditions. This variant is present in population databases (rs760780330, gnomAD 0.009%). This sequence change replaces arginine, which is basic and polar, with glutamine, which is neutral and polar, at codon 116 of the IFNGR2 protein (p.Arg116Gln).